The following is an entry in ClinVar:

ClinVar aggregate classification (germline): Uncertain significance (1 of 4 stars; one submission).

Conditions:
Malignant hyperthermia, susceptibility to, 5 (MHS5). Also called: CACNA1S-Related Malignant Hyperthermia Susceptibility. Identifiers: Orphanet 423, MedGen C1866077, MONDO:0011163, OMIM 601887.
Hypokalemic periodic paralysis, type 1. Also called: HypoPP; Hypokalemic Periodic Paralysis Type 1 (AD). Identifiers: Orphanet 681, MedGen C3714580, MONDO:0042979, OMIM 170400.

gnomAD v4.1: 1 of 1,614,180 alleles (0.000062%); no homozygotes.

Submission:

Labcorp Genetics (formerly Invitae), Labcorp
Classification: Uncertain significance for Hypokalemic periodic paralysis, type 1; Malignant hyperthermia, susceptibility to, 5. Last evaluated: 2026-01-02. Review status: criteria provided, single submitter. Criteria: Invitae Variant Classification Sherloc (09022015). Collection method: clinical testing. Allele origin: germline.
Comment: This sequence change replaces glycine, which is neutral and non-polar, with alanine, which is neutral and non-polar, at codon 1701 of the CACNA1S protein (p.Gly1701Ala). This variant is not present in population databases (gnomAD no frequency). This variant has not been reported in the literature in individuals affected with CACNA1S-related conditions. ClinVar contains an entry for this variant (Variation ID: 1374974). Invitae Evidence Modeling of protein sequence and biophysical properties (such as structural, functional, and spatial information, amino acid conservation, physicochemical variation, residue mobility, and thermodynamic stability) indicates that this missense variant is not expected to disrupt CACNA1S protein function with a negative predictive value of 95%. Algorithms developed to predict the effect of sequence changes on RNA splicing suggest that this variant may disrupt the consensus splice site. In summary, the available evidence is currently insufficient to determine the role of this variant in disease. Therefore, it has been classified as a Variant of Uncertain Significance.

NM_000069.3(CACNA1S):c.5102G>C (p.Gly1701Ala)

Gene: CACNA1S (calcium voltage-gated channel subunit alpha1 S; minus strand). Cytogenetic location: 1q32.1.
Variant type: single nucleotide variant.
Coding change: c.5102G>C on transcript NM_000069.3 (MANE Select); coding-DNA position 5102, G replaced by C.
Protein change: p.Gly1701Ala; replaces glycine 1701 with alanine.
Molecular consequence: missense variant.
Genome position (GRCh38, 1-based): chr1:201,041,536, C>G on the plus strand (G>C on the coding strand, the complement: CACNA1S is on the minus strand). VCF-style: chr1-201041536-C-G. GRCh37 (hg19) VCF-style: chr1-201010664-C-G.
Other names: short protein forms G1701A.
Identifiers: ClinVar variation 1374974 (VCV001374974.6), dbSNP rs2102541566, ClinGen allele CA344133059.